The following is an entry in ClinVar:

NM_016180.5(SLC45A2):c.269C>A (p.Ser90Ter)

Gene: SLC45A2 (solute carrier family 45 member 2; minus strand). Cytogenetic location: 5p13.2.
Variant type: single nucleotide variant.
Coding change: c.269C>A on transcript NM_016180.5 (MANE Select); coding-DNA position 269, C replaced by A.
Protein change: p.Ser90Ter; replaces serine 90 with a stop codon.
Molecular consequence: nonsense.
Genome position (GRCh38, 1-based): chr5:33,984,315, G>T on the plus strand (C>A on the coding strand, the complement: SLC45A2 is on the minus strand). VCF-style: chr5-33984315-G-T. GRCh37 (hg19) VCF-style: chr5-33984420-G-T.
Other names: c.269C>A, p.Ser90Ter (NM_001012509.4, NM_001297417.4); short protein forms S90*.
Identifiers: ClinVar variation 2915411 (VCV002915411.3), dbSNP rs952902764, ClinGen allele CA116903513.

ClinVar aggregate classification (germline): Pathogenic (1 of 4 stars; one submission).

gnomAD v4.1: 1 of 1,613,984 alleles (0.000062%); highest among the groups gnomAD compares: Non-Finnish European, 0.000085%; no homozygotes.

Submission:

Labcorp Genetics (formerly Invitae), Labcorp
Classification: Pathogenic. Last evaluated: 2023-02-08. Review status: criteria provided, single submitter. Criteria: Invitae Variant Classification Sherloc (09022015). Collection method: clinical testing. Allele origin: germline.
Comment: This sequence change creates a premature translational stop signal (p.Ser90*) in the SLC45A2 gene. It is expected to result in an absent or disrupted protein product. Loss-of-function variants in SLC45A2 are known to be pathogenic (PMID: 21458243, 26573111). This variant is not present in population databases (gnomAD no frequency). This premature translational stop signal has been observed in individual(s) with SLC45A2-related conditions (PMID: 29141312). For these reasons, this variant has been classified as Pathogenic.

Literature cited by the submitters: PubMed 21458243; PubMed 26573111; PubMed 29141312.